The following is an entry in ClinVar:

ClinVar aggregate classification (germline): Likely benign (1 of 4 stars; one submission).

Submission:

CeGaT Center for Human Genetics Tuebingen
Classification: Likely benign. Last evaluated: 2025-10-01. Review status: criteria provided, single submitter. Criteria: CeGaT Center For Human Genetics Tuebingen Variant Classification Criteria Version 2. Collection method: clinical testing. Allele origin: germline. Affected: yes. Observed: 1 variant allele.
Comment: VPS13B: BS2

NM_152564.5(VPS13B):c.9331-3_9331-2insTTTTTTTTTTTTTTTTTTTTTTTTTTTTTTTTTTTT

Gene: VPS13B (vacuolar protein sorting 13 homolog B; plus strand). Cytogenetic location: 8q22.2.
Variant type: Insertion.
Coding change: c.9331-3_9331-2insTTTTTTTTTTTTTTTTTTTTTTTTTTTTTTTTTTTT on transcript NM_152564.5 (MANE Select); 3 bases into the intron before coding-DNA position 9331 through the canonical splice acceptor site of the intron before coding-DNA position 9331, TTTTTTTTTTTTTTTTTTTTTTTTTTTTTTTTTTTT inserted.
Molecular consequence: intron variant.
Genome position: GRCh38: chr8:99,832,366-99,832,367. GRCh37 (hg19): chr8:100,844,594-100,844,595.
Other names: c.9406-3_9406-2insTTTTTTTTTTTTTTTTTTTTTTTTTTTTTTTTTTTT (NM_017890.5).
Identifiers: ClinVar variation 4534201 (VCV004534201.6).